The following is an entry in ClinVar:

ClinVar aggregate classification (germline): Benign/Likely benign. Review status: criteria provided, multiple submitters, no conflicts (2 of 4 stars). 7 submissions from 7 submitters: Benign (2); Likely benign (5). Last evaluated 2026-01-25.

Conditions:
Noonan syndrome 9 (NS9). Identifiers: Orphanet 648, MedGen C4225282, MONDO:0014691, OMIM 616559.
SOS2-related disorder. Also called: SOS2-related condition.
Cardiovascular phenotype. Identifiers: MedGen CN230736.

Allele frequency attached by ClinVar (database versions not stated): gnomAD exomes 0.00004 and 0.00006; ExAC 0.00006; gnomAD 0.00006; TOPMed 0.00007; ESP Exome Variant Server 0.00015.
gnomAD v4.1: 61 of 1,602,372 alleles (0.0038%); highest among the groups gnomAD compares: Non-Finnish European, 0.0048%; no homozygotes.

Submissions (7):

Labcorp Genetics (formerly Invitae), Labcorp
Classification: Likely benign for Noonan syndrome 9. Last evaluated: 2026-01-25. Review status: criteria provided, single submitter. Criteria: Invitae Variant Classification Sherloc (09022015). Collection method: clinical testing. Allele origin: germline.

Mayo Clinic Laboratories, Mayo Clinic
Classification: Likely benign. Last evaluated: 2025-05-27. Review status: criteria provided, single submitter. Criteria: ACMG Guidelines, 2015. Collection method: clinical testing. Allele origin: germline. Observed: 1 variant allele.
Comment: BP4, BP7

PreventionGenetics, part of Exact Sciences
Classification: Likely benign for SOS2-related condition. Last evaluated: 2024-12-26. Review status: criteria provided, single submitter. Criteria: ACMG Guidelines, 2015. Collection method: clinical testing. Allele origin: germline.
Comment: This variant is classified as likely benign based on ACMG/AMP sequence variant interpretation guidelines (Richards et al. 2015 PMID: 25741868, with internal and published modifications).

Blueprint Genetics
Classification: Likely benign. Last evaluated: 2022-12-07. Review status: criteria provided, single submitter. Criteria: ACMG Guidelines, 2015. Collection method: clinical testing. Allele origin: germline.

Ambry Genetics
Classification: Likely benign for Cardiovascular phenotype. Last evaluated: 2022-08-27. Review status: criteria provided, single submitter. Criteria: Ambry Variant Classification Scheme 2023. Collection method: clinical testing. Allele origin: germline.

Women's Health and Genetics/Laboratory Corporation of America, LabCorp
Classification: Benign. Last evaluated: 2022-06-06. Review status: criteria provided, single submitter. Criteria: LabCorp Variant Classification Summary - May 2015. Collection method: clinical testing. Allele origin: germline.
Comment: Variant summary: SOS2 c.2700C>T alters a non-conserved nucleotide resulting in a synonymous change. 4/4 computational tools predict no significant impact on normal splicing, however, these predictions have yet to be confirmed by functional studies. The variant allele was found at a frequency of 5.6e-05 in 250404 control chromosomes (gnomAD), predominantly at a frequency of 0.00011 within the Non-Finnish European subpopulation in the gnomAD database. The observed variant frequency within Non-Finnish European control individuals in the gnomAD database is approximately 44 fold of the estimated maximal expected allele frequency for a pathogenic variant in SOS2 causing Noonan Syndrome phenotype (2.5e-06), strongly suggesting that the variant is a benign polymorphism found primarily in populations of Non-Finnish European origin. To our knowledge, no occurrence of c.2700C>T in individuals affected with Noonan Syndrome and no experimental evidence demonstrating its impact on protein function have been reported. One ClinVar submitter has assessed the variant since 2014: the variant was classified as likely benign. Based on the evidence outlined above, the variant was classified as benign.

Genome-Nilou Lab
Classification: Benign for Noonan syndrome 9. Review status: criteria provided, single submitter. Criteria: ACMG Guidelines, 2015. Collection method: clinical testing. Allele origin: germline.

NM_006939.4(SOS2):c.2700C>T (p.Asp900=)

Gene: SOS2 (SOS Ras/Rho guanine nucleotide exchange factor 2; minus strand). Cytogenetic location: 14q21.3.
Variant type: single nucleotide variant.
Coding change: c.2700C>T on transcript NM_006939.4 (MANE Select); coding-DNA position 2700, C replaced by T.
Protein change: p.Asp900=; no amino-acid change (aspartic acid 900 retained).
Molecular consequence: synonymous variant.
Genome position (GRCh38, 1-based): chr14:50,140,027, G>A on the plus strand (C>T on the coding strand, the complement: SOS2 is on the minus strand). VCF-style: chr14-50140027-G-A. GRCh37 (hg19) VCF-style: chr14-50606745-G-A.
Other names: p.Asp900=.
Identifiers: ClinVar variation 1130450 (VCV001130450.15), dbSNP rs369410641, ClinGen allele CA7176965.